The following is an entry in ClinVar:

ClinVar aggregate classification (germline): Uncertain significance (1 of 4 stars; one submission).

Conditions:
Hereditary cancer-predisposing syndrome. Also called: Hereditary Cancer Syndrome; Neoplastic Syndromes, Hereditary; Tumor predisposition; Hereditary neoplastic syndrome. Identifiers: Orphanet 140162, MedGen C0027672, MeSH D009386, MONDO:0015356.

Submission:

Ambry Genetics
Classification: Uncertain significance for Hereditary cancer-predisposing syndrome. Last evaluated: 2026-07-05. Review status: criteria provided, single submitter. Criteria: Ambry Variant Classification Scheme 2023. Collection method: clinical testing. Allele origin: germline.
Comment: The p.G164A variant (also known as c.491G>C), located in coding exon 1 of the ALK gene, results from a G to C substitution at nucleotide position 491. The glycine at codon 164 is replaced by alanine, an amino acid with similar properties. This amino acid position is conserved. In addition, this alteration is predicted to be tolerated by in silico analysis. Based on the available evidence, the clinical significance of this variant remains unclear.

NM_004304.5(ALK):c.491G>C (p.Gly164Ala)

Gene: ALK (ALK receptor tyrosine kinase; minus strand). Cytogenetic location: 2p23.1.
Variant type: single nucleotide variant.
Coding change: c.491G>C on transcript NM_004304.5 (MANE Select); coding-DNA position 491, G replaced by C.
Protein change: p.Gly164Ala; replaces glycine 164 with alanine.
Molecular consequence: missense variant.
Genome position (GRCh38, 1-based): chr2:29,920,169, C>G on the plus strand (G>C on the coding strand, the complement: ALK is on the minus strand). VCF-style: chr2-29920169-C-G. GRCh37 (hg19) VCF-style: chr2-30143035-C-G.
Other names: short protein forms G164A.
Identifiers: ClinVar variation 5035150 (VCV005035150.1).